The following is an entry in ClinVar:

ClinVar aggregate classification (germline): Uncertain significance (0 of 4 stars; one submission).

Conditions:
SETX-related disorder. Also called: SETX-related condition; SETX-related disorders. Identifiers: MedGen CN239403.

gnomAD v4.1: 1 of 1,614,088 alleles (0.000062%); highest among the groups gnomAD compares: Non-Finnish European, 0.000085%; no homozygotes.

Submission:

PreventionGenetics, part of Exact Sciences
Classification: Uncertain significance for SETX-related condition. Last evaluated: 2024-04-17. Review status: no assertion criteria provided. Collection method: clinical testing. Allele origin: germline.
Comment: The SETX c.5194C>T variant is predicted to result in the amino acid substitution p.Pro1732Ser. To our knowledge, this variant has not been reported in the literature or in a large population database, indicating this variant is rare. At this time, the clinical significance of this variant is uncertain due to the absence of conclusive functional and genetic evidence.

NM_015046.7(SETX):c.5194C>T (p.Pro1732Ser)

Gene: SETX (senataxin; minus strand). Cytogenetic location: 9q34.13.
Variant type: single nucleotide variant.
Coding change: c.5194C>T on transcript NM_015046.7 (MANE Select); coding-DNA position 5194, C replaced by T.
Protein change: p.Pro1732Ser; replaces proline 1732 with serine.
Molecular consequence: missense variant.
Genome position (GRCh38, 1-based): chr9:132,326,404, G>A on the plus strand (C>T on the coding strand, the complement: SETX is on the minus strand). VCF-style: chr9-132326404-G-A. GRCh37 (hg19) VCF-style: chr9-135201791-G-A.
Other names: c.5194C>T, p.Pro1732Ser (NM_001351527.2, NM_001351528.2); short protein forms P1732S.
Identifiers: ClinVar variation 3347937 (VCV003347937.1).